The following is an entry in ClinVar:

ClinVar aggregate classification (germline): Uncertain significance. Review status: criteria provided, multiple submitters, no conflicts (2 of 4 stars). 4 submissions from 4 submitters: Uncertain significance (4). Last evaluated 2025-03-05.

Conditions:
Spastic paraplegia. Identifiers: MedGen C0037772, HP:0001258.
Inborn genetic diseases. Identifiers: MedGen C0950123, MeSH D030342.

Allele frequency attached by ClinVar (database versions not stated): gnomAD 0.00001; ExAC 0.00002; TOPMed 0.00002; gnomAD exomes 0.00003.
gnomAD v4.1: 38 of 1,614,076 alleles (0.0024%); highest among the groups gnomAD compares: Middle Eastern, 0.016%; no homozygotes.

Submissions (4):

Ambry Genetics
Classification: Uncertain significance for Inborn genetic diseases. Last evaluated: 2025-03-05. Review status: criteria provided, single submitter. Criteria: Ambry Variant Classification Scheme 2023. Collection method: clinical testing. Allele origin: germline.

Blueprint Genetics
Classification: Uncertain significance. Last evaluated: 2023-03-20. Review status: criteria provided, single submitter. Criteria: ACMG Guidelines, 2015. Collection method: clinical testing. Allele origin: germline.

Labcorp Genetics (formerly Invitae), Labcorp
Classification: Uncertain significance for Spastic paraplegia. Last evaluated: 2022-09-27. Review status: criteria provided, single submitter. Criteria: Invitae Variant Classification Sherloc (09022015). Collection method: clinical testing. Allele origin: germline.
Comment: This sequence change replaces histidine, which is basic and polar, with leucine, which is neutral and non-polar, at codon 1080 of the ZFYVE26 protein (p.His1080Leu). This variant is present in population databases (rs747179088, gnomAD 0.003%). This variant has not been reported in the literature in individuals affected with ZFYVE26-related conditions. Algorithms developed to predict the effect of missense changes on protein structure and function (SIFT, PolyPhen-2, Align-GVGD) all suggest that this variant is likely to be tolerated. In summary, the available evidence is currently insufficient to determine the role of this variant in disease. Therefore, it has been classified as a Variant of Uncertain Significance.

Breakthrough Genomics
Classification: Uncertain significance. Review status: criteria provided, single submitter. Criteria: ACMG Guidelines, 2015. Collection method: not provided. Allele origin: germline. Inheritance: Autosomal recessive inheritance. Affected: yes.

NM_015346.4(ZFYVE26):c.3239A>T (p.His1080Leu)

Gene: ZFYVE26 (zinc finger FYVE-type containing 26; minus strand). Cytogenetic location: 14q24.1.
Variant type: single nucleotide variant.
Coding change: c.3239A>T on transcript NM_015346.4 (MANE Select); coding-DNA position 3239, A replaced by T.
Protein change: p.His1080Leu; replaces histidine 1080 with leucine.
Molecular consequence: missense variant.
Genome position (GRCh38, 1-based): chr14:67,785,923, T>A on the plus strand (A>T on the coding strand, the complement: ZFYVE26 is on the minus strand). VCF-style: chr14-67785923-T-A. GRCh37 (hg19) VCF-style: chr14-68252640-T-A.
Other names: c.3239A>T (NM_015346.3); short protein forms H1080L.
Identifiers: ClinVar variation 2174158 (VCV002174158.4), dbSNP rs747179088, ClinGen allele CA7240044.